The following is an entry in ClinVar:

NM_205768.3(ZBTB18):c.1406A>G (p.His469Arg)

Gene: ZBTB18 (zinc finger and BTB domain containing 18; plus strand). Cytogenetic location: 1q44.
Variant type: single nucleotide variant.
Coding change: c.1406A>G on transcript NM_205768.3 (MANE Select); coding-DNA position 1406, A replaced by G.
Protein change: p.His469Arg; replaces histidine 469 with arginine.
Molecular consequence: missense variant.
Genome position (GRCh38, 1-based): chr1:244,055,180, A>G. VCF-style: chr1-244055180-A-G. GRCh37 (hg19) VCF-style: chr1-244218482-A-G.
Other names: c.1379A>G, p.His460Arg (NM_001278196.2, NM_006352.5); short protein forms H460R, H469R.
Identifiers: ClinVar variation 1066831 (VCV001066831.10), dbSNP rs2148557675, ClinGen allele CA345675055.

ClinVar aggregate classification (germline): Pathogenic/Likely pathogenic. Review status: criteria provided, multiple submitters, no conflicts (2 of 4 stars). 2 submissions from 2 submitters: Pathogenic (1); Likely pathogenic (1). Last evaluated 2022-05-04.

Conditions:
Intellectual developmental disorder, autosomal dominant 22. Also called: Intellectual disability, autosomal dominant 22. Identifiers: MedGen CN029689, MONDO:0012869, OMIM 612337.

Submissions (2):

Mendelics
Classification: Pathogenic for Intellectual developmental disorder, autosomal dominant 22. Last evaluated: 2022-05-04. Review status: criteria provided, single submitter. Criteria: Mendelics Assertion Criteria 2019. Collection method: clinical testing. Allele origin: germline.

Labcorp Genetics (formerly Invitae), Labcorp
Classification: Likely pathogenic. Last evaluated: 2018-04-04. Review status: criteria provided, single submitter. Criteria: Invitae Variant Classification Sherloc (09022015). Collection method: clinical testing. Allele origin: germline.
Comment: In summary, the currently available evidence indicates that the variant is pathogenic, but additional data are needed to prove that conclusively. Therefore, this variant has been classified as Likely Pathogenic. Algorithms developed to predict the effect of missense changes on protein structure and function (SIFT, PolyPhen-2, Align-GVGD) all suggest that this variant is likely to be disruptive, but these predictions have not been confirmed by published functional studies and their clinical significance is uncertain. This variant is not present in population databases (ExAC no frequency). This sequence change replaces histidine with arginine at codon 469 of the ZBTB18 protein (p.His469Arg). The histidine residue is highly conserved and there is a small physicochemical difference between histidine and arginine.